The following is an entry in ClinVar:

NM_003000.3(SDHB):c.592A>C (p.Ser198Arg)

Gene: SDHB (succinate dehydrogenase complex iron sulfur subunit B; minus strand). Cytogenetic location: 1p36.13.
Variant type: single nucleotide variant.
Coding change: c.592A>C on transcript NM_003000.3 (MANE Select); coding-DNA position 592, A replaced by C.
Protein change: p.Ser198Arg; replaces serine 198 with arginine.
Molecular consequence: missense variant.
Genome position (GRCh38, 1-based): chr1:17,024,023, T>G on the plus strand (A>C on the coding strand, the complement: SDHB is on the minus strand). VCF-style: chr1-17024023-T-G. GRCh37 (hg19) VCF-style: chr1-17350518-T-G.
Other names: short protein forms S198R.
Identifiers: ClinVar variation 856668 (VCV000856668.8), dbSNP rs2077978250, ClinGen allele CA338271115.

ClinVar aggregate classification (germline): Uncertain significance. Review status: criteria provided, multiple submitters, no conflicts (2 of 4 stars). 2 submissions from 2 submitters: Uncertain significance (2). Last evaluated 2025-12-19.

Conditions:
Pheochromocytoma/paraganglioma syndrome 4. Also called: CAROTID BODY TUMORS AND MULTIPLE EXTRAADRENAL PHEOCHROMOCYTOMAS; SDHB-Related Hereditary Paraganglioma-Pheochromocytoma Syndrome (Paragangliomas 4); SDHB-Related Hereditary Paraganglioma-Pheochromocytoma Syndrome; PARAGANGLIOMA, FAMILIAL MALIGNANT; PARAGANGLIOMAS, HEREDITARY EXTRAADRENAL; PHEOCHROMOCYTOMA, FAMILIAL EXTRAADRENAL. Identifiers: Orphanet 29072, MedGen C1861848, MONDO:0007273, OMIM 115310.
Gastrointestinal stromal tumor. Also called: Gastrointestinal stromal tumor, somatic; Gastrointestinal stroma tumor. Identifiers: Orphanet 44890, MedGen C0238198, MeSH D046152, MONDO:0011719, OMIM 606764, HP:0100723.
Pheochromocytoma. Also called: MAX-Related Hereditary Paraganglioma-Pheochromocytoma Syndrome. Identifiers: Orphanet 29072, MedGen C0031511, MONDO:0008233, OMIM 171300, HP:0002666.
Hereditary cancer-predisposing syndrome. Also called: Neoplastic Syndromes, Hereditary; Tumor predisposition; Hereditary Cancer Syndrome; Hereditary neoplastic syndrome. Identifiers: Orphanet 140162, MedGen C0027672, MeSH D009386, MONDO:0015356.

Submissions (2):

Ambry Genetics
Classification: Uncertain significance for Hereditary cancer-predisposing syndrome. Last evaluated: 2025-12-19. Review status: criteria provided, single submitter. Criteria: Ambry Variant Classification Scheme 2023. Collection method: clinical testing. Allele origin: germline.
Comment: The p.S198R variant (also known as c.592A>C), located in coding exon 6 of the SDHB gene, results from an A to C substitution at nucleotide position 592. The serine at codon 198 is replaced by arginine, an amino acid with dissimilar properties. This amino acid position is highly conserved in available vertebrate species. In addition, this alteration is predicted to be deleterious by in silico analysis. Based on the available evidence, the clinical significance of this variant remains unclear.

Labcorp Genetics (formerly Invitae), Labcorp
Classification: Uncertain significance for Gastrointestinal stromal tumor; Pheochromocytoma/paraganglioma syndrome 4; Pheochromocytoma. Last evaluated: 2019-02-10. Review status: criteria provided, single submitter. Criteria: Invitae Variant Classification Sherloc (09022015). Collection method: clinical testing. Allele origin: germline.
Comment: In summary, the available evidence is currently insufficient to determine the role of this variant in disease. Therefore, it has been classified as a Variant of Uncertain Significance. This sequence change replaces serine with arginine at codon 198 of the SDHB protein (p.Ser198Arg). The serine residue is highly conserved and there is a moderate physicochemical difference between serine and arginine. This variant is not present in population databases (ExAC no frequency). This variant has not been reported in the literature in individuals with SDHB-related conditions. Algorithms developed to predict the effect of missense changes on protein structure and function (SIFT, PolyPhen-2, Align-GVGD) all suggest that this variant is likely to be disruptive, but these predictions have not been confirmed by published functional studies and their clinical significance is uncertain.